The following is an entry in ClinVar:

ClinVar aggregate classification (germline): Uncertain significance (1 of 4 stars; one submission).

Submission:

Labcorp Genetics (formerly Invitae), Labcorp
Classification: Uncertain significance. Last evaluated: 2025-08-11. Review status: criteria provided, single submitter. Criteria: Invitae Variant Classification Sherloc (09022015). Collection method: clinical testing. Allele origin: germline.
Comment: This sequence change replaces proline, which is neutral and non-polar, with serine, which is neutral and polar, at codon 65 of the TBX6 protein (p.Pro65Ser). This variant is not present in population databases (gnomAD no frequency). This variant has not been reported in the literature in individuals affected with TBX6-related conditions. An algorithm developed to predict the effect of missense changes on protein structure and function (PolyPhen-2) suggests that this variant is likely to be tolerated. In summary, the available evidence is currently insufficient to determine the role of this variant in disease. Therefore, it has been classified as a Variant of Uncertain Significance.

NM_004608.4(TBX6):c.193C>T (p.Pro65Ser)

Gene: TBX6 (T-box transcription factor 6; minus strand). Cytogenetic location: 16p11.2.
Variant type: single nucleotide variant.
Coding change: c.193C>T on transcript NM_004608.4 (MANE Select); coding-DNA position 193, C replaced by T.
Protein change: p.Pro65Ser; replaces proline 65 with serine.
Molecular consequence: missense variant.
Genome position (GRCh38, 1-based): chr16:30,090,918, G>A on the plus strand (C>T on the coding strand, the complement: TBX6 is on the minus strand). VCF-style: chr16-30090918-G-A. GRCh37 (hg19) VCF-style: chr16-30102239-G-A.
Other names: short protein forms P65S.
Identifiers: ClinVar variation 4725296 (VCV004725296.1).